The following is an entry in ClinVar:

ClinVar aggregate classification (germline): Uncertain significance (1 of 4 stars; one submission).

Conditions:
Cardiomyopathy (CMYO). Also called: Cardiomyopathies. Identifiers: Orphanet 167848, MedGen C0878544, MONDO:0004994, HP:0001638. Inheritance: Various modes of inheritance.

Submission:

Color Diagnostics, LLC DBA Color Health
Classification: Uncertain significance for Cardiomyopathy. Last evaluated: 2024-03-06. Review status: criteria provided, single submitter. Criteria: ACMG Guidelines, 2015. Collection method: clinical testing. Allele origin: germline.
Comment: This missense variant replaces methionine with valine at codon 2214 of the RYR2 protein. Computational prediction suggests that this variant may have deleterious impact on protein structure and function (internally defined REVEL score threshold >= 0.7, PMID: 27666373). Splice site prediction tools suggest that this variant may not impact RNA splicing. To our knowledge, functional studies have not been performed for this variant. This variant has not been reported in individuals affected with cardiovascular disorders in the literature. This variant has not been identified in the general population by the Genome Aggregation Database (gnomAD). The available evidence is insufficient to determine the role of this variant in disease conclusively. Therefore, this variant is classified as a Variant of Uncertain Significance.

NM_001035.3(RYR2):c.6640A>G (p.Met2214Val)

Gene: RYR2 (ryanodine receptor 2; plus strand). Cytogenetic location: 1q43.
Variant type: single nucleotide variant.
Coding change: c.6640A>G on transcript NM_001035.3 (MANE Select); coding-DNA position 6640, A replaced by G.
Protein change: p.Met2214Val; replaces methionine 2214 with valine.
Molecular consequence: missense variant.
Genome position (GRCh38, 1-based): chr1:237,633,662, A>G. VCF-style: chr1-237633662-A-G. GRCh37 (hg19) VCF-style: chr1-237796962-A-G.
Other names: short protein forms M2214V.
Identifiers: ClinVar variation 922401 (VCV000922401.4), dbSNP rs1680570773, ClinGen allele CA345394225.